The following is an entry in ClinVar:

ClinVar aggregate classification (germline): Pathogenic (1 of 4 stars; one submission).

Conditions:
Wiedemann-Steiner syndrome (WDSTS). Also called: Growth deficiency and mental retardation with facial dysmorphism. Identifiers: Orphanet 319182, MedGen C1854630, MONDO:0011518, OMIM 605130.

Submission:

Institute of Human Genetics, University of Leipzig Medical Center
Classification: Pathogenic for Wiedemann-Steiner syndrome. Last evaluated: 2025-03-04. Review status: criteria provided, single submitter. Criteria: ACMG Guidelines, 2015. Collection method: clinical testing. Allele origin: de novo. Inheritance: Autosomal dominant inheritance. Affected: yes.
Comment: Criteria applied: PVS1,PM2,PS2_MOD

NM_001197104.2(KMT2A):c.9668_9672del (p.Lys3223fs)

Gene: KMT2A (lysine methyltransferase 2A; plus strand). Cytogenetic location: 11q23.3.
Variant type: Deletion.
Coding change: c.9668_9672del on transcript NM_001197104.2 (MANE Select); coding-DNA positions 9668 to 9672, 5 bases deleted (AAAGA; older notation c.9668_9672delAAAGA).
Protein change: p.Lys3223fs; shifts the reading frame from lysine 3223.
Molecular consequence: frameshift variant.
Genome position (GRCh38, 1-based): chr11:118,505,560-118,505,564, AAAGA deleted; deleting any 5 consecutive bases within chr11:118,505,556-118,505,564 gives the same sequence; the c. name uses the placement nearest the transcript's 3' end. VCF-style (leftmost placement, unchanged base first): chr11-118505555-CAAGAA-C. GRCh37 (hg19) VCF-style: chr11-118376270-CAAGAA-C.
Other names: c.9758_9762del, p.Lys3253fs (NM_001412597.1); c.9659_9663del, p.Lys3220fs (NM_005933.4); short protein forms K3220fs, K3223fs, K3253fs.
Identifiers: ClinVar variation 3385398 (VCV003385398.3).